The following is an entry in ClinVar:

NM_001035.3(RYR2):c.12612T>C (p.Ala4204=)

Genes: RYR2 (ryanodine receptor 2; plus strand), LOC126806068 (BRD4-independent group 4 enhancer GRCh37_chr1:237947411-237948610; plus strand). Cytogenetic location: 1q43.
Variant type: single nucleotide variant.
Coding change: c.12612T>C on transcript NM_001035.3 (MANE Select); coding-DNA position 12612, T replaced by C.
Protein change: p.Ala4204=; no amino-acid change (alanine 4204 retained).
Molecular consequence: synonymous variant.
Genome position (GRCh38, 1-based): chr1:237,784,324, T>C. VCF-style: chr1-237784324-T-C. GRCh37 (hg19) VCF-style: chr1-237947624-T-C.
Identifiers: ClinVar variation 1763212 (VCV001763212.10), dbSNP rs1215759635, ClinGen allele CA424032047.

ClinVar aggregate classification (germline): Likely benign. Review status: criteria provided, multiple submitters, no conflicts (2 of 4 stars). 4 submissions from 4 submitters: Likely benign (4). Last evaluated 2025-11-13.

Conditions:
Cardiovascular phenotype. Identifiers: MedGen CN230736.
Catecholaminergic polymorphic ventricular tachycardia (CVPT). Also called: Catecholamine-induced polymorphic ventricular tachycardia. Identifiers: Orphanet 3286, MedGen C5574922, MONDO:0017990.
Catecholaminergic polymorphic ventricular tachycardia 1. Also called: VENTRICULAR TACHYCARDIA, CATECHOLAMINERGIC POLYMORPHIC, 1, WITH OR WITHOUT ATRIAL DYSFUNCTION AND/OR DILATED CARDIOMYOPATHY; VENTRICULAR TACHYCARDIA, STRESS-INDUCED POLYMORPHIC 1; RYR2-Related Catecholaminergic Polymorphic Ventricular Tachycardia. Identifiers: Orphanet 3286, MedGen C1631597, MONDO:0011484, OMIM 604772.
Cardiomyopathy (CMYO). Also called: Cardiomyopathies. Identifiers: Orphanet 167848, MedGen C0878544, MONDO:0004994, HP:0001638. Inheritance: Various modes of inheritance.

Allele frequency attached by ClinVar (database versions not stated): gnomAD exomes below 0.00001; gnomAD 0.00001.
gnomAD v4.1: 2 of 1,613,374 alleles (0.00012%); highest among the groups gnomAD compares: Admixed American, 0.0033%; no homozygotes.

Submissions (4):

Labcorp Genetics (formerly Invitae), Labcorp
Classification: Likely benign for Catecholaminergic polymorphic ventricular tachycardia 1. Last evaluated: 2025-11-13. Review status: criteria provided, single submitter. Criteria: Invitae Variant Classification Sherloc (09022015). Collection method: clinical testing. Allele origin: germline.

All of Us Research Program, National Institutes of Health
Classification: Likely benign for Catecholaminergic polymorphic ventricular tachycardia. Last evaluated: 2023-11-20. Review status: criteria provided, single submitter. Criteria: ACMG Guidelines, 2015. Collection method: clinical testing. Allele origin: germline. Inheritance: Autosomal dominant inheritance. Observed: 1 variant allele, 1 heterozygote.
Comment: This study involves interpretation of variants in research participants for the purpose of population health screening. Participant phenotype was not available at the time of variant classification. Additional details can be found in publication PMID: 35346344, PMCID: PMC8962531

Color Diagnostics, LLC DBA Color Health
Classification: Likely benign for Cardiomyopathy. Last evaluated: 2022-01-26. Review status: criteria provided, single submitter. Criteria: ACMG Guidelines, 2015. Collection method: clinical testing. Allele origin: germline.

Ambry Genetics
Classification: Likely benign for Cardiovascular phenotype. Last evaluated: 2019-04-18. Review status: criteria provided, single submitter. Criteria: Ambry Variant Classification Scheme 2023. Collection method: clinical testing. Allele origin: germline.